The following is an entry in ClinVar:

NM_031407.7(HUWE1):c.3815C>T (p.Ser1272Leu)

Genes: HUWE1 (HECT, UBA and WWE domain containing E3 ubiquitin protein ligase 1; minus strand), LOC126863263 (BRD4-independent group 4 enhancer GRCh37_chrX:53619238-53620437; plus strand). Cytogenetic location: Xp11.22.
Variant type: single nucleotide variant.
Coding change: c.3815C>T on transcript NM_031407.7 (MANE Select); coding-DNA position 3815, C replaced by T.
Protein change: p.Ser1272Leu; replaces serine 1272 with leucine.
Molecular consequence: missense variant.
Genome position (GRCh38, 1-based): chrX:53,592,555, G>A on the plus strand (C>T on the coding strand, the complement: HUWE1 is on the minus strand). VCF-style: chrX-53592555-G-A. GRCh37 (hg19) VCF-style: chrX-53619515-G-A.
Other names: short protein forms S1272L.
Identifiers: ClinVar variation 2633098 (VCV002633098.1), dbSNP rs2526099784, ClinGen allele CA413177797.

ClinVar aggregate classification (germline): Uncertain significance (1 of 4 stars; one submission).

Conditions:
HUWE1-related disorder. Also called: HUWE1-related condition.

Submission:

PreventionGenetics, part of Exact Sciences
Classification: Uncertain significance for HUWE1-related condition. Last evaluated: 2023-04-25. Review status: criteria provided, single submitter. Criteria: ACMG Guidelines, 2015. Collection method: clinical testing. Allele origin: germline.
Comment: The HUWE1 c.3815C>T variant is predicted to result in the amino acid substitution p.Ser1272Leu. To our knowledge, this variant has not been reported in the literature or in a large population database, indicating this variant is rare. At this time, the clinical significance of this variant is uncertain due to the absence of conclusive functional and genetic evidence.